The following is an entry in ClinVar:

ClinVar aggregate classification (germline): Uncertain significance (1 of 4 stars; one submission).

Conditions:
Neuropathy, hereditary sensory and autonomic, type 2A (HSAN2A). Also called: ACROOSTEOLYSIS, GIACCAI TYPE; ACROOSTEOLYSIS, NEUROGENIC; MORVAN DISEASE; NEUROPATHY, CONGENITAL SENSORY; NEUROPATHY, HEREDITARY SENSORY RADICULAR, AUTOSOMAL RECESSIVE; NEUROPATHY, HEREDITARY SENSORY, TYPE IIA. Identifiers: Orphanet 970, MedGen C2752089, MONDO:0024309, OMIM 201300.
Pseudohypoaldosteronism type 2C (PHA2C). Also called: Pseudohypoaldosteronism Type IIC. Identifiers: Orphanet 757, Orphanet 88940, MedGen C1840391, MONDO:0013778, OMIM 614492.

Submission:

Labcorp Genetics (formerly Invitae), Labcorp
Classification: Uncertain significance for Neuropathy, hereditary sensory and autonomic, type 2A; Pseudohypoaldosteronism type 2C. Last evaluated: 2022-09-13. Review status: criteria provided, single submitter. Criteria: Invitae Variant Classification Sherloc (09022015). Collection method: clinical testing. Allele origin: germline.
Comment: In summary, the available evidence is currently insufficient to determine the role of this variant in disease. Therefore, it has been classified as a Variant of Uncertain Significance. This variant has not been reported in the literature in individuals affected with WNK1-related conditions. This variant is present in population databases (no rsID available, gnomAD 0.02%). This sequence change creates a premature translational stop signal (p.Ser769Leufs*71) in the WNK1 gene. However, it is currently unclear if variants that occur in this region of the gene cause disease.

NM_213655.5(WNK1):c.2305del (p.Ser769fs)

Gene: WNK1 (WNK lysine deficient protein kinase 1; plus strand). Cytogenetic location: 12p13.33.
Variant type: Deletion.
Coding change: c.2305del on transcript NM_213655.5 (MANE Plus Clinical); coding-DNA position 2305, one base deleted (T; older notation c.2305delT).
Protein change: p.Ser769fs; shifts the reading frame from serine 769.
Molecular consequence: frameshift variant. On other transcripts: intron variant (3).
Genome position (GRCh38, 1-based): chr12:865,275, T deleted; the last of 3 consecutive T bases (chr12:865,273-865,275); deleting any one gives the same sequence. VCF-style (leftmost placement, unchanged base first): chr12-865272-CT-C. GRCh37 (hg19) VCF-style: chr12-974438-CT-C.
Other names: c.2140-2591del (NM_001184985.2); c.2139+3005del (NM_018979.4, NM_014823.3); short protein forms S769fs.
Identifiers: ClinVar variation 2081885 (VCV002081885.4), dbSNP rs1041831405, ClinGen allele CA231495735.